The following is an entry in ClinVar:

NM_004447.6(EPS8):c.516+6A>G

Gene: EPS8 (EGFR pathway substrate 8, signaling adaptor; minus strand). Cytogenetic location: 12p12.3.
Variant type: single nucleotide variant.
Coding change: c.516+6A>G on transcript NM_004447.6 (MANE Select); 6 bases into the intron after coding-DNA position 516, A replaced by G.
Molecular consequence: intron variant.
Genome position (GRCh38, 1-based): chr12:15,669,381, T>C on the plus strand (A>G on the coding strand, the complement: EPS8 is on the minus strand). VCF-style: chr12-15669381-T-C. GRCh37 (hg19) VCF-style: chr12-15822315-T-C.
Identifiers: ClinVar variation 508706 (VCV000508706.16), dbSNP rs73315036, ClinGen allele CA6467861.

ClinVar aggregate classification (germline): Benign. Review status: criteria provided, multiple submitters, no conflicts (2 of 4 stars). 6 submissions from 6 submitters: Benign (5). 1 of the submissions does not count toward it. Last evaluated 2026-02-01.

Conditions:
EPS8-related disorder. Also called: EPS8-related condition.

Allele frequency attached by ClinVar (database versions not stated): gnomAD 0.05338 and 0.04968; 1000 Genomes Project 0.05671; TOPMed 0.05735; ESP Exome Variant Server 0.05890; 1000 Genomes Project 30x 0.05934; gnomAD exomes 0.00584 and 0.01505; ExAC 0.01741.
gnomAD v4.1: 16,388 of 1,592,022 alleles (1%); highest among the groups gnomAD compares: African/African-American, 17%; 1,196 homozygotes.

Submissions (6):

Labcorp Genetics (formerly Invitae), Labcorp
Classification: Benign. Last evaluated: 2026-02-01. Review status: criteria provided, single submitter. Criteria: Invitae Variant Classification Sherloc (09022015). Collection method: clinical testing. Allele origin: germline.

Athena Diagnostics
Classification: Benign. Last evaluated: 2019-02-15. Review status: criteria provided, single submitter. Criteria: Athena Diagnostics Criteria. Collection method: clinical testing. Allele origin: germline.

GeneDx
Classification: Benign. Last evaluated: 2017-10-05. Review status: criteria provided, single submitter. Criteria: GeneDx Variant Classification (06012015). Collection method: clinical testing. Allele origin: germline. Affected: yes.
Comment: This variant is considered likely benign or benign based on one or more of the following criteria: it is a conservative change, it occurs at a poorly conserved position in the protein, it is predicted to be benign by multiple in silico algorithms, and/or has population frequency not consistent with disease.

Laboratory for Molecular Medicine, Mass General Brigham Personalized Medicine
Classification: Benign. Last evaluated: 2017-08-23. Review status: criteria provided, single submitter. Criteria: LMM Criteria. Collection method: clinical testing. Allele origin: germline. Observed: 5 variant alleles.
Comment: c.516+6A>G in intron 6 of EPS8: This variant is not expected to have clinical si gnificance because it has been identified in 17.58% (1791/10186) of African chro mosomes by the Exome Aggregation Consortium (ExAC, g; dbSNP rs73315036).

Breakthrough Genomics
Classification: Benign. Review status: criteria provided, single submitter. Criteria: ACMG Guidelines, 2015. Collection method: not provided. Allele origin: germline. Inheritance: Autosomal recessive inheritance. Affected: yes.

PreventionGenetics, part of Exact Sciences
Classification: Benign for EPS8-related condition. Last evaluated: 2019-08-01. Review status: no assertion criteria provided. Collection method: clinical testing. Allele origin: germline. Not counted in ClinVar's aggregate classification.
Comment: This variant is classified as benign based on ACMG/AMP sequence variant interpretation guidelines (Richards et al. 2015 PMID: 25741868, with internal and published modifications).